The following is an entry in ClinVar:

NM_001352754.2(ARMC9):c.1983C>T (p.Asn661=)

Gene: ARMC9 (armadillo repeat containing 9; plus strand). Cytogenetic location: 2q37.1.
Variant type: single nucleotide variant.
Coding change: c.1983C>T on transcript NM_001352754.2 (MANE Select); coding-DNA position 1983, C replaced by T.
Protein change: p.Asn661=; no amino-acid change (asparagine 661 retained).
Molecular consequence: synonymous variant. On other transcripts: non-coding transcript variant (1).
Genome position (GRCh38, 1-based): chr2:231,345,079, C>T. VCF-style: chr2-231345079-C-T. GRCh37 (hg19) VCF-style: chr2-232209791-C-T.
Other names: c.1983C>T, p.Asn661= (NM_001271466.4, NM_001291656.2, NM_001352755.2 and 2 more transcripts); c.1884C>T, p.Asn628= (NM_001352757.2, NM_001352758.2); c.1878C>T, p.Asn626= (NM_001352759.2).
Identifiers: ClinVar variation 1138743 (VCV001138743.22), dbSNP rs745552621, ClinGen allele CA2160561.

ClinVar aggregate classification (germline): Likely benign. Review status: criteria provided, multiple submitters, no conflicts (2 of 4 stars). 2 submissions from 2 submitters: Likely benign (2). Last evaluated 2025-01-01.

Allele frequency attached by ClinVar (database versions not stated): ExAC 0.00001; gnomAD exomes 0.00001 and 0.00002; gnomAD 0.00003; TOPMed 0.00003.
gnomAD v4.1: 27 of 1,613,336 alleles (0.0017%); highest among the groups gnomAD compares: African/African-American, 0.004%; no homozygotes.

Submissions (2):

CeGaT Center for Human Genetics Tuebingen
Classification: Likely benign. Last evaluated: 2025-01-01. Review status: criteria provided, single submitter. Criteria: CeGaT Center For Human Genetics Tuebingen Variant Classification Criteria Version 2. Collection method: clinical testing. Allele origin: germline. Affected: yes. Observed: 1 variant allele.
Comment: ARMC9: BP4, BP7

Labcorp Genetics (formerly Invitae), Labcorp
Classification: Likely benign. Last evaluated: 2024-08-28. Review status: criteria provided, single submitter. Criteria: Invitae Variant Classification Sherloc (09022015). Collection method: clinical testing. Allele origin: germline.